The following is an entry in ClinVar:

ClinVar aggregate classification (germline): Uncertain significance (1 of 4 stars; one submission).

Conditions:
Intellectual developmental disorder, autosomal dominant 3. Also called: Intellectual disability, autosomal dominant 3. Identifiers: MedGen C2675488, MONDO:0012946, OMIM 612580.

Submission:

Juno Genomics, Hangzhou Juno Genomics, Inc
Classification: Uncertain significance for Intellectual developmental disorder, autosomal dominant 3. Review status: criteria provided, single submitter. Criteria: ACMG Guidelines, 2015. Collection method: clinical testing. Allele origin: germline.
Comment: Absent from controls (or at extremely low frequency if recessive) in Genome Aggregation Database.;Multiple lines of computational evidence support a deleterious effect on the gene or gene product.

NM_004933.3(CDH15):c.2287T>A (p.Tyr763Asn)

Gene: CDH15 (cadherin 15; plus strand). Cytogenetic location: 16q24.3.
Variant type: single nucleotide variant.
Coding change: c.2287T>A on transcript NM_004933.3 (MANE Select); coding-DNA position 2287, T replaced by A.
Protein change: p.Tyr763Asn; replaces tyrosine 763 with asparagine.
Molecular consequence: missense variant.
Genome position (GRCh38, 1-based): chr16:89,194,997, T>A. VCF-style: chr16-89194997-T-A. GRCh37 (hg19) VCF-style: chr16-89261405-T-A.
Other names: short protein forms Y763N.
Identifiers: ClinVar variation 5005664 (VCV005005664.2).